The following is an entry in ClinVar:

NM_005120.3(MED12):c.107_111delinsGC (p.Leu36_Thr37delinsArg)

Gene: MED12 (mediator complex subunit 12; plus strand). Cytogenetic location: Xq13.1.
Variant type: Indel.
Coding change: c.107_111delinsGC on transcript NM_005120.3 (MANE Select); coding-DNA positions 107 to 111, TGACG replaced by GC.
Protein change: p.Leu36_Thr37delinsArg.
Molecular consequence: inframe indel.
Genome position (GRCh38, 1-based): chrX:71,119,380-71,119,384, TGACG replaced by GC. VCF-style: chrX-71119380-TGACG-GC. GRCh37 (hg19) VCF-style: chrX-70339230-TGACG-GC.
Identifiers: ClinVar variation 92202 (VCV000092202.2), dbSNP rs199469679, ClinGen allele CA145533.

ClinVar aggregate classification (germline): not provided (0 of 4 stars; one submission).

Conditions:
Uterine leiomyoma (UL). Also called: Uterine corpus leiomyoma. Identifiers: MedGen C0042133, MONDO:0007886, OMIM 150699, HP:0000131.

Submission:

Rajkovic Lab, University of Pittsburgh
No classification provided. Condition: Leiomyoma, uterine. Review status: no classification provided. Collection method: not provided. Allele origin: somatic.
ClinVar note: Converted during submission from Associated with leiomyomas to not provided.